The following is an entry in ClinVar:

ClinVar aggregate classification (germline): Benign/Likely benign. Review status: criteria provided, multiple submitters, no conflicts (2 of 4 stars). 3 submissions from 3 submitters: Benign (1); Likely benign (2). Last evaluated 2024-07-25.

Conditions:
Hereditary cancer-predisposing syndrome. Also called: Tumor predisposition; Neoplastic Syndromes, Hereditary; Hereditary Cancer Syndrome; Hereditary neoplastic syndrome. Identifiers: Orphanet 140162, MedGen C0027672, MeSH D009386, MONDO:0015356.
Oligodontia-cancer predisposition syndrome. Also called: TOOTH AGENESIS-COLORECTAL CANCER SYNDROME. Identifiers: Orphanet 300576, MedGen C1837750, MONDO:0012075, OMIM 608615. Disease mechanism: loss of function.

Allele frequency attached by ClinVar (database versions not stated): TOPMed 0.00001.
gnomAD v4.1: 4 of 1,613,858 alleles (0.00025%); highest among the groups gnomAD compares: African/African-American, 0.0027%; no homozygotes.

Submissions (3):

Ambry Genetics
Classification: Likely benign for Hereditary cancer-predisposing syndrome. Last evaluated: 2024-07-25. Review status: criteria provided, single submitter. Criteria: Ambry Variant Classification Scheme 2023. Collection method: clinical testing. Allele origin: germline.

Myriad Genetics, Inc.
Classification: Benign for Oligodontia-cancer predisposition syndrome. Last evaluated: 2024-06-26. Review status: criteria provided, single submitter. Criteria: Myriad Autosomal Dominant, Autosomal Recessive and X-Linked Classification Criteria (2023). Collection method: clinical testing. Allele origin: unknown.
Comment: This variant is considered benign. This variant is a silent/synonymous amino acid change and it is not expected to impact splicing.

Labcorp Genetics (formerly Invitae), Labcorp
Classification: Likely benign for Oligodontia-cancer predisposition syndrome. Last evaluated: 2024-05-22. Review status: criteria provided, single submitter. Criteria: Invitae Variant Classification Sherloc (09022015). Collection method: clinical testing. Allele origin: germline.

NM_004655.4(AXIN2):c.528C>G (p.Thr176=)

Gene: AXIN2 (axin 2; minus strand). Cytogenetic location: 17q24.1.
Variant type: single nucleotide variant.
Coding change: c.528C>G on transcript NM_004655.4 (MANE Select); coding-DNA position 528, C replaced by G.
Protein change: p.Thr176=; no amino-acid change (threonine 176 retained).
Molecular consequence: synonymous variant.
Genome position (GRCh38, 1-based): chr17:65,558,093, G>C on the plus strand (C>G on the coding strand, the complement: AXIN2 is on the minus strand). VCF-style: chr17-65558093-G-C. GRCh37 (hg19) VCF-style: chr17-63554211-G-C.
Other names: c.528C>G, p.Thr176= (NM_001363813.1).
Identifiers: ClinVar variation 761307 (VCV000761307.10), dbSNP rs781572220, ClinGen allele CA501691782.